The following is an entry in ClinVar:

ClinVar aggregate classification (germline): Uncertain significance (0 of 4 stars; one submission).

Conditions:
Carcinoma of colon (CRC). Also called: Colon carcinoma; Colonic carcinoma. Identifiers: MedGen C0699790, MONDO:0002032.

Submission:

Department of Pathology and Laboratory Medicine, Sinai Health System
Classification: Uncertain significance for Carcinoma of colon. Review status: no assertion criteria provided. Collection method: clinical testing. Allele origin: unknown. Affected: yes. Observed: 1 variant allele. Study: The Canadian Open Genetics Repository (COGR).
Comment: The p.Thr518Asn variant was not identified in the literature nor was it identified in the dbSNP, NHLBI Exome Sequencing Project (Exome Variant Server), Exome Aggregation Consortium (ExAC) database, HGMD, COSMIC, MutDB, â€šÃ„ÃºMismatch Repair Genes Variant Databaseâ€šÃ„Ã¹, â€šÃ„ÃºInSiGHT Colon Cancer Databaseâ€šÃ„Ã¹, â€šÃ„ÃºZhejiang Colon Cancer Databaseâ€šÃ„Ã¹, the ClinVar database, GeneInsight VariantWire database, or UMD. The variant occurs outside of the splicing consensus sequence and 1 of 5 in silico or computational prediction software programs (SpliceSiteFinder, MaxEntScan, NNSPLICE, GeneSplicer, HumanSpliceFinder) predict a greater than 10% difference in splicing; this is not very predictive of pathogenicity. The p.Thr518 residue is located within the N-terminal functional domain, and this residue is conserved across mammals and lower organisms. Four out of five computational analyses (PolyPhen-2, SIFT, AlignGVGD, BLOSUM, MutationTaster) suggest that the Asn variant may impact the protein; however, this information is not predictive enough to assume pathogenicity. In summary, based on the above information, the clinical significance of this variant cannot be determined with certainty at this time. This variant is classified as a variant of unknown significance.

NM_000179.3(MSH6):c.1553C>A (p.Thr518Asn)

Gene: MSH6 (mutS homolog 6; plus strand). Cytogenetic location: 2p16.3.
Variant type: single nucleotide variant.
Coding change: c.1553C>A on transcript NM_000179.3 (MANE Select); coding-DNA position 1553, C replaced by A.
Protein change: p.Thr518Asn; replaces threonine 518 with asparagine.
Molecular consequence: missense variant.
Genome position (GRCh38, 1-based): chr2:47,799,536, C>A. VCF-style: chr2-47799536-C-A. GRCh37 (hg19) VCF-style: chr2-48026675-C-A.
Other names: c.1163C>A, p.Thr388Asn (NM_001281492.2); c.647C>A, p.Thr216Asn (NM_001281493.2, NM_001281494.2); short protein forms T518N, T388N, T216N.
Identifiers: ClinVar variation 433909 (VCV000433909.2), dbSNP rs1553412945, ClinGen allele CA346746671.